The following is an entry in ClinVar:

NM_014141.6(CNTNAP2):c.3292T>C (p.Tyr1098His)

Gene: CNTNAP2 (contactin associated protein 2; plus strand). Cytogenetic location: 7q36.1.
Variant type: single nucleotide variant.
Coding change: c.3292T>C on transcript NM_014141.6 (MANE Select); coding-DNA position 3292, T replaced by C.
Protein change: p.Tyr1098His; replaces tyrosine 1098 with histidine.
Molecular consequence: missense variant.
Genome position (GRCh38, 1-based): chr7:148,229,690, T>C. VCF-style: chr7-148229690-T-C. GRCh37 (hg19) VCF-style: chr7-147926782-T-C.
Other names: short protein forms Y1098H.
Identifiers: ClinVar variation 536326 (VCV000536326.9), dbSNP rs1484284253, ClinGen allele CA369929649.

ClinVar aggregate classification (germline): Uncertain significance (1 of 4 stars; one submission).

Conditions:
Cortical dysplasia-focal epilepsy syndrome (PTHSL1). Also called: Pitt-Hopkins-like syndrome 1. Identifiers: Orphanet 163681, Orphanet 221150, MedGen C2750246, MONDO:0012400, OMIM 610042.

Allele frequency attached by ClinVar (database versions not stated): TOPMed below 0.00001; gnomAD exomes 0.00001.
gnomAD v4.1: 9 of 1,614,114 alleles (0.00056%); highest among the groups gnomAD compares: Non-Finnish European, 0.00076%; no homozygotes.

Submission:

Labcorp Genetics (formerly Invitae), Labcorp
Classification: Uncertain significance for Cortical dysplasia-focal epilepsy syndrome. Last evaluated: 2019-12-03. Review status: criteria provided, single submitter. Criteria: Invitae Variant Classification Sherloc (09022015). Collection method: clinical testing. Allele origin: germline.
Comment: In summary, the available evidence is currently insufficient to determine the role of this variant in disease. Therefore, it has been classified as a Variant of Uncertain Significance. Algorithms developed to predict the effect of missense changes on protein structure and function do not agree on the potential impact of this missense change (SIFT: "Deleterious"; PolyPhen-2: "Benign"; Align-GVGD: "Class C35"). This variant has not been reported in the literature in individuals with CNTNAP2-related disease. This variant is not present in population databases (ExAC no frequency). This sequence change replaces tyrosine with histidine at codon 1098 of the CNTNAP2 protein (p.Tyr1098His). The tyrosine residue is moderately conserved and there is a moderate physicochemical difference between tyrosine and histidine.